The following is an entry in ClinVar:

NM_000090.4(COL3A1):c.3521C>A (p.Ser1174Tyr)

Gene: COL3A1 (collagen type III alpha 1 chain; plus strand). Cytogenetic location: 2q32.2.
Variant type: single nucleotide variant.
Coding change: c.3521C>A on transcript NM_000090.4 (MANE Select); coding-DNA position 3521, C replaced by A.
Protein change: p.Ser1174Tyr; replaces serine 1174 with tyrosine.
Molecular consequence: missense variant.
Genome position (GRCh38, 1-based): chr2:189,008,138, C>A. VCF-style: chr2-189008138-C-A. GRCh37 (hg19) VCF-style: chr2-189872864-C-A.
Other names: short protein forms S1174Y.
Identifiers: ClinVar variation 3361379 (VCV003361379.1).

ClinVar aggregate classification (germline): Uncertain significance (1 of 4 stars; one submission).

Submission:

GeneDx
Classification: Uncertain significance. Last evaluated: 2023-07-21. Review status: criteria provided, single submitter. Criteria: GeneDx Variant Classification Process June 2021. Collection method: clinical testing. Allele origin: germline. Affected: yes.
Comment: Not observed at significant frequency in large population cohorts (gnomAD); Has not been previously published as pathogenic or benign to our knowledge; Occurs in the triple helical domain at the X position in the canonical Gly-X-Y repeat; although this variant may have an effect on normal protein folding and function, missense substitution at the X position is not a common mechanism of disease (HGMD); In silico analysis supports that this missense variant does not alter protein structure/function